The following is an entry in ClinVar:

NM_000417.3(IL2RA):c.21G>A (p.Met7Ile)

Genes: IL2RA (interleukin 2 receptor subunit alpha; minus strand), LOC128462384 (CRISPRi-FlowFISH-validated IL2RA regulatory element GRCh37_chr10:6104083-6104713; plus strand). Cytogenetic location: 10p15.1.
Variant type: single nucleotide variant.
Coding change: c.21G>A on transcript NM_000417.3 (MANE Select); coding-DNA position 21, G replaced by A.
Protein change: p.Met7Ile; replaces methionine 7 with isoleucine.
Molecular consequence: missense variant.
Genome position (GRCh38, 1-based): chr10:6,062,131, C>T on the plus strand (G>A on the coding strand, the complement: IL2RA is on the minus strand). VCF-style: chr10-6062131-C-T. GRCh37 (hg19) VCF-style: chr10-6104094-C-T.
Other names: c.21G>A, p.Met7Ile (NM_001308242.2, NM_001308243.2); short protein forms M7I.
Identifiers: ClinVar variation 1484258 (VCV001484258.6), dbSNP rs1299907703, ClinGen allele CA375940497.

ClinVar aggregate classification (germline): Uncertain significance (1 of 4 stars; one submission).

Conditions:
Immunodeficiency due to CD25 deficiency. Also called: IL2RA DEFICIENCY; IMMUNODEFICIENCY 41 WITH LYMPHOPROLIFERATION AND AUTOIMMUNITY; CD25 DEFICIENCY. Identifiers: Orphanet 169100, MedGen C1853392, MONDO:0011664, OMIM 606367.

Allele frequency attached by ClinVar (database versions not stated): gnomAD exomes below 0.00001; gnomAD 0.00001; TOPMed 0.00001.
gnomAD v4.1: 3 of 1,613,994 alleles (0.00019%); highest among the groups gnomAD compares: Non-Finnish European, 0.00025%; no homozygotes.

Submission:

Labcorp Genetics (formerly Invitae), Labcorp
Classification: Uncertain significance for Immunodeficiency due to CD25 deficiency. Last evaluated: 2025-07-30. Review status: criteria provided, single submitter. Criteria: Invitae Variant Classification Sherloc (09022015). Collection method: clinical testing. Allele origin: germline.
Comment: This sequence change replaces methionine, which is neutral and non-polar, with isoleucine, which is neutral and non-polar, at codon 7 of the IL2RA protein (p.Met7Ile). This variant is not present in population databases (gnomAD no frequency). This variant has not been reported in the literature in individuals affected with IL2RA-related conditions. ClinVar contains an entry for this variant (Variation ID: 1484258). Invitae Evidence Modeling of protein sequence and biophysical properties (such as structural, functional, and spatial information, amino acid conservation, physicochemical variation, residue mobility, and thermodynamic stability) indicates that this missense variant is not expected to disrupt IL2RA protein function with a negative predictive value of 80%. In summary, the available evidence is currently insufficient to determine the role of this variant in disease. Therefore, it has been classified as a Variant of Uncertain Significance.